The following is an entry in ClinVar:

NM_000257.4(MYH7):c.2146G>T (p.Gly716Trp)

Gene: MYH7 (myosin heavy chain 7; minus strand). Cytogenetic location: 14q11.2.
Variant type: single nucleotide variant.
Coding change: c.2146G>T on transcript NM_000257.4 (MANE Select); coding-DNA position 2146, G replaced by T.
Protein change: p.Gly716Trp; replaces glycine 716 with tryptophan.
Molecular consequence: missense variant.
Genome position (GRCh38, 1-based): chr14:23,425,980, C>A on the plus strand (G>T on the coding strand, the complement: MYH7 is on the minus strand). VCF-style: chr14-23425980-C-A. GRCh37 (hg19) VCF-style: chr14-23895189-C-A.
Other names: short protein forms G716W.
Identifiers: ClinVar variation 1507204 (VCV001507204.9), dbSNP rs121913638, ClinGen allele CA389049034.
Genomic context (GRCh38, chr14:23,425,980, plus strand): 5'-TGGCTCCCCCTGTTCTATGAGCTCTGGTGCACCCTCATACCCACCTCTGCCGGAAGTCCC[C>A]GTAGAGGATGCGGTTGGGGAAGCCTTTCCTGCAGATGCGGATGCCCTCCAGCACACCATT-3'
Protein context (NP_000248.2, residues 706-726): RKGFPNRILY[Gly716Trp]DFRQRYRILN

ClinVar aggregate classification (germline): Conflicting classifications of pathogenicity. Review status: criteria provided, conflicting classifications (1 of 4 stars). 2 submissions from 2 submitters: Likely pathogenic (1); Uncertain significance (1). Last evaluated 2025-01-18.

Conditions:
Cardiovascular phenotype. Identifiers: MedGen CN230736.
Hypertrophic cardiomyopathy. Also called: HYPERTROPHIC MYOCARDIOPATHY. Identifiers: Orphanet 217569, MedGen C0007194, MeSH D002312, MONDO:0005045, HP:0001639.

Submissions (2):

Ambry Genetics
Classification: Uncertain significance for Cardiovascular phenotype. Last evaluated: 2025-01-18. Review status: criteria provided, single submitter. Criteria: Ambry Variant Classification Scheme 2023. Collection method: clinical testing. Allele origin: germline.
Comment: The p.G716W variant (also known as c.2146G>T), located in coding exon 17 of the MYH7 gene, results from a G to T substitution at nucleotide position 2146. The glycine at codon 716 is replaced by tryptophan, an amino acid with highly dissimilar properties. Another variant at the same codon, p.G716R (c.2146G>A), has been identified in individual(s) with features consistent with MYH7- related cardiomyopathy (Ambry internal data). This amino acid position is highly conserved in available vertebrate species. In addition, this alteration is predicted to be deleterious by in silico analysis. Based on the available evidence, the clinical significance of this variant remains unclear.

Labcorp Genetics (formerly Invitae), Labcorp
Classification: Likely pathogenic for Hypertrophic cardiomyopathy. Last evaluated: 2022-11-29. Review status: criteria provided, single submitter. Criteria: Invitae Variant Classification Sherloc (09022015). Collection method: clinical testing. Allele origin: germline.
Comment: This variant is not present in population databases (gnomAD no frequency). This variant has not been reported in the literature in individuals affected with MYH7-related conditions. ClinVar contains an entry for this variant (Variation ID: 1507204). Advanced modeling of protein sequence and biophysical properties (such as structural, functional, and spatial information, amino acid conservation, physicochemical variation, residue mobility, and thermodynamic stability) performed at Invitae indicates that this missense variant is expected to disrupt MYH7 protein function. This sequence change replaces glycine, which is neutral and non-polar, with tryptophan, which is neutral and slightly polar, at codon 716 of the MYH7 protein (p.Gly716Trp). This variant disrupts the p.Gly716 amino acid residue in MYH7. Other variant(s) that disrupt this residue have been determined to be pathogenic (PMID: 8282798, 9062359, 9874056, 18953637, 27161882). This suggests that this residue is clinically significant, and that variants that disrupt this residue are likely to be disease-causing. In summary, the currently available evidence indicates that the variant is pathogenic, but additional data are needed to prove that conclusively. Therefore, this variant has been classified as Likely Pathogenic.

Literature cited by the submitters: PubMed 8282798 (cited by Labcorp Genetics (formerly Invitae), Labcorp); PubMed 9062359 (cited by Labcorp Genetics (formerly Invitae), Labcorp); PubMed 9874056 (cited by Labcorp Genetics (formerly Invitae), Labcorp); PubMed 18953637 (cited by Labcorp Genetics (formerly Invitae), Labcorp); PubMed 27161882 (cited by Labcorp Genetics (formerly Invitae), Labcorp).